The following is an entry in ClinVar:

ClinVar aggregate classification (germline): Uncertain significance (1 of 4 stars; one submission).

Conditions:
Familial cold autoinflammatory syndrome 2 (FCAS2). Identifiers: Orphanet 247868, MedGen C2673198, MONDO:0012724, OMIM 611762.

Allele frequency attached by ClinVar (database versions not stated): gnomAD exomes below 0.00001; ExAC 0.00001; gnomAD 0.00001; TOPMed 0.00001; 1000 Genomes Project 30x 0.00016; 1000 Genomes Project 0.00020.
gnomAD v4.1: 2 of 1,614,060 alleles (0.00012%); highest among the groups gnomAD compares: Admixed American, 0.0017%; no homozygotes.

Submission:

Labcorp Genetics (formerly Invitae), Labcorp
Classification: Uncertain significance for Familial cold autoinflammatory syndrome 2. Last evaluated: 2021-04-28. Review status: criteria provided, single submitter. Criteria: Invitae Variant Classification Sherloc (09022015). Collection method: clinical testing. Allele origin: germline.
Comment: This sequence change replaces arginine with glutamine at codon 284 of the NLRP12 protein (p.Arg284Gln). The arginine residue is highly conserved and there is a small physicochemical difference between arginine and glutamine. In summary, the available evidence is currently insufficient to determine the role of this variant in disease. Therefore, it has been classified as a Variant of Uncertain Significance. Algorithms developed to predict the effect of missense changes on protein structure and function output the following: SIFT: "Tolerated"; PolyPhen-2: "Benign"; Align-GVGD: "Class C0". The glutamine amino acid residue is found in multiple mammalian species, suggesting that this missense change does not adversely affect protein function. These predictions have not been confirmed by published functional studies and their clinical significance is uncertain. This variant has not been reported in the literature in individuals with NLRP12-related conditions. The frequency data for this variant in the population databases is considered unreliable, as metrics indicate poor data quality at this position in the ExAC database.

NM_144687.4(NLRP12):c.851G>A (p.Arg284Gln)

Gene: NLRP12 (NLR family pyrin domain containing 12; minus strand). Cytogenetic location: 19q13.42.
Variant type: single nucleotide variant.
Coding change: c.851G>A on transcript NM_144687.4 (MANE Select); coding-DNA position 851, G replaced by A.
Protein change: p.Arg284Gln; replaces arginine 284 with glutamine.
Molecular consequence: missense variant.
Genome position (GRCh38, 1-based): chr19:53,810,808, C>T on the plus strand (G>A on the coding strand, the complement: NLRP12 is on the minus strand). VCF-style: chr19-53810808-C-T. GRCh37 (hg19) VCF-style: chr19-54314062-C-T.
Other names: c.851G>A, p.Arg284Gln (NM_001277126.2, NM_001277129.1); short protein forms R284Q.
Identifiers: ClinVar variation 1349539 (VCV001349539.8), dbSNP rs537256190, ClinGen allele CA9639595.